The following is an entry in ClinVar:

NM_002439.5(MSH3):c.2717T>A (p.Ile906Lys)

Gene: MSH3 (mutS homolog 3; plus strand). Cytogenetic location: 5q14.1.
Variant type: single nucleotide variant.
Coding change: c.2717T>A on transcript NM_002439.5 (MANE Select); coding-DNA position 2717, T replaced by A.
Protein change: p.Ile906Lys; replaces isoleucine 906 with lysine.
Molecular consequence: missense variant.
Genome position (GRCh38, 1-based): chr5:80,813,645, T>A. VCF-style: chr5-80813645-T-A. GRCh37 (hg19) VCF-style: chr5-80109464-T-A.
Other names: short protein forms I906K.
Identifiers: ClinVar variation 4769672 (VCV004769672.1).
Genomic context (GRCh38, chr5:80,813,645, plus strand): 5'-AGGACTCAGAGAGAGTAATGATAATTACCGGACCAAACATGGGTGGAAAGAGCTCCTACA[T>A]AAAACAAGTTGCATTGATTACCATCATGGCTCAGATTGGCTCCTATGTTCCTGCAGAAGA-3'
Protein context (NP_002430.3, residues 896-916): GPNMGGKSSY[Ile906Lys]KQVALITIMA

ClinVar aggregate classification (germline): Uncertain significance (1 of 4 stars; one submission).

Submission:

Labcorp Genetics (formerly Invitae), Labcorp
Classification: Uncertain significance. Last evaluated: 2025-06-23. Review status: criteria provided, single submitter. Criteria: Invitae Variant Classification Sherloc (09022015). Collection method: clinical testing. Allele origin: germline.
Comment: This sequence change replaces isoleucine, which is neutral and non-polar, with lysine, which is basic and polar, at codon 906 of the MSH3 protein (p.Ile906Lys). This variant is not present in population databases (gnomAD no frequency). This variant has not been reported in the literature in individuals affected with MSH3-related conditions. An algorithm developed to predict the effect of missense changes on protein structure and function (PolyPhen-2) suggests that this variant is likely to be disruptive. In summary, the available evidence is currently insufficient to determine the role of this variant in disease. Therefore, it has been classified as a Variant of Uncertain Significance.